The following is an entry in ClinVar:

ClinVar aggregate classification (germline): Benign/Likely benign. Review status: criteria provided, multiple submitters, no conflicts (2 of 4 stars). 8 submissions from 8 submitters: Benign (7); Likely benign (1). Last evaluated 2026-02-04.

Conditions:
Chédiak-Higashi syndrome (CHS). Also called: Chediak-Higashi Syndrome. Identifiers: Orphanet 167, MedGen C0007965, MONDO:0008963, OMIM 214500.

Allele frequency attached by ClinVar (database versions not stated): 1000 Genomes Project 0.30351; 1000 Genomes Project 30x 0.31746; gnomAD exomes 0.34474 and 0.38270; ExAC 0.35012; TOPMed 0.40109; gnomAD 0.40531 and 0.41826; ESP Exome Variant Server 0.43611.
gnomAD v4.1: 619,229 of 1,611,766 alleles (38%); highest among the groups gnomAD compares: African/African-American, 50%; 124,221 homozygotes.

Submissions (8):

Labcorp Genetics (formerly Invitae), Labcorp
Classification: Benign for Chédiak-Higashi syndrome. Last evaluated: 2026-02-04. Review status: criteria provided, single submitter. Criteria: Invitae Variant Classification Sherloc (09022015). Collection method: clinical testing. Allele origin: germline.

Blueprint Genetics
Classification: Likely benign. Last evaluated: 2024-11-26. Review status: criteria provided, single submitter. Criteria: ACMG Guidelines, 2015. Collection method: clinical testing. Allele origin: germline.

Unidad de Genómica Garrahan, Hospital de Pediatría Garrahan
Classification: Benign. Last evaluated: 2023-11-12. Review status: criteria provided, single submitter. Criteria: ACMG Guidelines, 2015. Collection method: clinical testing. Allele origin: germline. Affected: no. Observed: 48 variant alleles.
Comment: This variant is classified as Benign based on local population frequency. This variant was detected in 50% of patients studied by a panel of primary immunodeficiencies. Number of patients: 48. Only high quality variants are reported.

Mayo Clinic Laboratories, Mayo Clinic
Classification: Benign. Last evaluated: 2022-09-29. Review status: criteria provided, single submitter. Criteria: ACMG Guidelines, 2015. Collection method: clinical testing. Allele origin: germline. Observed: 1,832 variant alleles.

GeneDx
Classification: Benign. Last evaluated: 2018-06-13. Review status: criteria provided, single submitter. Criteria: GeneDx Variant Classification (06012015). Collection method: clinical testing. Allele origin: germline. Affected: yes.
Comment: This variant is considered likely benign or benign based on one or more of the following criteria: it is a conservative change, it occurs at a poorly conserved position in the protein, it is predicted to be benign by multiple in silico algorithms, and/or has population frequency not consistent with disease.

Laboratory for Molecular Medicine, Mass General Brigham Personalized Medicine
Classification: Benign. Last evaluated: 2016-03-28. Review status: criteria provided, single submitter. Criteria: LMM Criteria. Collection method: clinical testing. Allele origin: germline.
Comment: Variant identified in a genome or exome case(s) and assessed due to predicted null impact of the variant or pathogenic assertions in the literature or databases. Disclaimer: This variant has not undergone full assessment. The following are preliminary notes: MAF

Breakthrough Genomics
Classification: Benign. Review status: criteria provided, single submitter. Criteria: ACMG Guidelines, 2015. Collection method: not provided. Allele origin: germline. Inheritance: Autosomal recessive inheritance. Affected: yes.

PreventionGenetics, part of Exact Sciences
Classification: Benign. Review status: criteria provided, single submitter. Criteria: ACMG Guidelines, 2015. Collection method: clinical testing. Allele origin: germline.

NM_000081.4(LYST):c.4956A>G (p.Leu1652=)

Gene: LYST (lysosomal trafficking regulator; minus strand). Cytogenetic location: 1q42.3.
Variant type: single nucleotide variant.
Coding change: c.4956A>G on transcript NM_000081.4 (MANE Select); coding-DNA position 4956, A replaced by G.
Protein change: p.Leu1652=; no amino-acid change (leucine 1652 retained).
Molecular consequence: synonymous variant.
Genome position (GRCh38, 1-based): chr1:235,781,994, T>C on the plus strand (A>G on the coding strand, the complement: LYST is on the minus strand). VCF-style: chr1-235781994-T-C. GRCh37 (hg19) VCF-style: chr1-235945294-T-C.
Other names: p.Leu1652=; c.4956A>G, p.Leu1652= (NM_001301365.1).
Identifiers: ClinVar variation 254923 (VCV000254923.26), dbSNP rs6696123, ClinGen allele CA1466725.